The following is an entry in ClinVar:

NM_000178.4(GSS):c.-9+5G>A

Gene: GSS (glutathione synthetase; minus strand). Cytogenetic location: 20q11.22.
Variant type: single nucleotide variant.
Coding change: c.-9+5G>A on transcript NM_000178.4 (MANE Select); 5 bases into the intron after 9 bases upstream of the start codon, G replaced by A.
Molecular consequence: intron variant.
Genome position (GRCh38, 1-based): chr20:34,955,722, C>T on the plus strand (G>A on the coding strand, the complement: GSS is on the minus strand). VCF-style: chr20-34955722-C-T. GRCh37 (hg19) VCF-style: chr20-33543525-C-T.
Other names: c.-9+148G>A (NM_001322494.1); c.-9+5G>A (LRG_1168t1).
Identifiers: ClinVar variation 495702 (VCV000495702.7), dbSNP rs1555889738, ClinGen allele CA658684238.
Genomic context (GRCh38, chr20:34,955,722, plus strand): 5'-TCCCTCACATCGTTCCTCCCGAGGAAACGTGACCCATGCCGGCCGCCGTGGCCGCCCCAA[C>T]CTACTAGTTCGCCTTTCCTCCGCGAACGGTTCTCCCGGCCCTCGCGCCGCTACCCAGGCT-3'

ClinVar aggregate classification (germline): Pathogenic. Review status: criteria provided, multiple submitters, no conflicts (2 of 4 stars). 4 submissions from 4 submitters: Pathogenic (4). Last evaluated 2024-05-16.

Conditions:
Glutathione synthetase deficiency with 5-oxoprolinuria. Also called: Reduced glutathione synthetase level; Gluthathione synthetase deficiency; PYROGLUTAMIC ACIDURIA; 5-Oxoprolinuria; 5-OXOPROLINURIA DUE TO GLUTATHIONE SYNTHETASE DEFICIENCY. Identifiers: Orphanet 289846, MedGen C0398746, MONDO:0009947, OMIM 266130, HP:0003343.
Inherited glutathione synthetase deficiency. Identifiers: Orphanet 32, MedGen C5979912, MONDO:0017909.

Submissions (4):

GeneDx
Classification: Pathogenic. Last evaluated: 2024-05-16. Review status: criteria provided, single submitter. Criteria: GeneDx Variant Classification Process June 2021. Collection method: clinical testing. Allele origin: germline. Affected: yes.
Comment: Published functional studies demonstrate two abnormal splicing products and significantly decreased enzyme activity in patient fibroblasts (PMID: 14635114); In silico analysis supports a deleterious effect on splicing; This variant is associated with the following publications: (PMID: 33726816, 14635114)

Labcorp Genetics (formerly Invitae), Labcorp
Classification: Pathogenic for Glutathione synthetase deficiency with 5-oxoprolinuria. Last evaluated: 2024-02-05. Review status: criteria provided, single submitter. Criteria: Invitae Variant Classification Sherloc (09022015). Collection method: clinical testing. Allele origin: germline.
Comment: This variant occurs in a non-coding region of the GSS gene. It does not change the encoded amino acid sequence of the GSS protein. It affects a nucleotide within the consensus splice site. This variant is not present in population databases (gnomAD no frequency). This variant has been observed in individual(s) with glutathione synthetase deficiency (PMID: 14635114). ClinVar contains an entry for this variant (Variation ID: 495702). Variants that disrupt the consensus splice site are a relatively common cause of aberrant splicing (PMID: 17576681, 9536098). Algorithms developed to predict the effect of sequence changes on RNA splicing suggest that this variant may disrupt the consensus splice site. For these reasons, this variant has been classified as Pathogenic.

Centre for Inherited Metabolic Diseases, Karolinska University Hospital
Classification: Pathogenic for Glutathione synthetase deficiency with 5-oxoprolinuria. Last evaluated: 2021-03-22. Review status: criteria provided, single submitter. Criteria: ACMG Guidelines, 2015. Collection method: clinical testing. Allele origin: germline. Inheritance: Autosomal recessive inheritance. Affected: yes. Observed: 1 homozygote.

Women's Health and Genetics/Laboratory Corporation of America, LabCorp
Classification: Pathogenic for Inherited glutathione synthetase deficiency. Last evaluated: 2017-04-13. Review status: criteria provided, single submitter. Criteria: LabCorp Variant Classification Summary - May 2015. Collection method: clinical testing. Allele origin: germline.
Comment: Variant summary: The GSS c.-9+5G>A variant involves the alteration of a conserved nucleotide in the intron that resides in the 5'UTR of the gene. One in silico tool predicts a damaging outcome for this variant. 2/5 splice prediction tools predict a significant impact on normal splicing, while ESE finder predicts that this variant does not significantly impact ESE sites at the locus. However, these predictions have yet to be confirmed by functional studies. One publication studied 41 patients with glutathione synthetase (GS) deficiency and found 3 patients who were homozygous for the variant of interest, each of whom had ~10% or less of normal GS activity levels in their cultured fibroblasts (Njalsson_Hum Genet_2005). In each case, the alleles were inherited from heterozygous parents. This variant is absent in the large control database ExAC (0/107328 control chromosomes) as well as ClinVar. Taken together, this variant is classified as pathogenic.

Literature cited by the submitters: PubMed 14635114 (cited by Labcorp Genetics (formerly Invitae), Labcorp and Women's Health and Genetics/Laboratory Corporation of America, LabCorp); PubMed 17576681 (cited by Labcorp Genetics (formerly Invitae), Labcorp); PubMed 9536098 (cited by Labcorp Genetics (formerly Invitae), Labcorp); PubMed 15717202 (cited by Women's Health and Genetics/Laboratory Corporation of America, LabCorp).